The following is an entry in ClinVar:

ClinVar aggregate classification (germline): Likely benign (1 of 4 stars; one submission).

Allele frequency attached by ClinVar (database versions not stated): ESP Exome Variant Server 0.00008; 1000 Genomes Project 30x 0.00047; 1000 Genomes Project 0.00060.

Submission:

CeGaT Center for Human Genetics Tuebingen
Classification: Likely benign. Last evaluated: 2022-11-01. Review status: criteria provided, single submitter. Criteria: CeGaT Center For Human Genetics Tuebingen Variant Classification Criteria Version 2. Collection method: clinical testing. Allele origin: germline. Affected: yes. Observed: 1 variant allele.
Comment: H1-4: BP4, BP7

NM_005321.3(H1-4):c.276C>G (p.Thr92=)

Gene: H1-4 (H1.4 linker histone, cluster member; plus strand). Cytogenetic location: 6p22.2.
Variant type: single nucleotide variant.
Coding change: c.276C>G on transcript NM_005321.3 (MANE Select); coding-DNA position 276, C replaced by G.
Protein change: p.Thr92=; no amino-acid change (threonine 92 retained).
Molecular consequence: synonymous variant.
Genome position (GRCh38, 1-based): chr6:26,156,666, C>G. VCF-style: chr6-26156666-C-G. GRCh37 (hg19) VCF-style: chr6-26156894-C-G.
Identifiers: ClinVar variation 2656302 (VCV002656302.24), dbSNP rs201585202, ClinGen allele CA3668011.